The following is an entry in ClinVar:

ClinVar aggregate classification (germline): Likely benign (1 of 4 stars; one submission).

Submission:

CeGaT Center for Human Genetics Tuebingen
Classification: Likely benign. Last evaluated: 2026-05-01. Review status: criteria provided, single submitter. Criteria: CeGaT Center For Human Genetics Tuebingen Variant Classification Criteria Version 2. Collection method: clinical testing. Allele origin: germline. Affected: yes. Observed: 2 variant alleles.
Comment: BTBD17: PM2:Supporting, BP4, BP7

NM_001080466.2(BTBD17):c.369G>C (p.Leu123=)

Gene: BTBD17 (BTB domain containing 17; minus strand). Cytogenetic location: 17q25.1.
Variant type: single nucleotide variant.
Coding change: c.369G>C on transcript NM_001080466.2 (MANE Select); coding-DNA position 369, G replaced by C.
Protein change: p.Leu123=; no amino-acid change (leucine 123 retained).
Molecular consequence: synonymous variant.
Genome position (GRCh38, 1-based): chr17:74,357,725, C>G on the plus strand (G>C on the coding strand, the complement: BTBD17 is on the minus strand). VCF-style: chr17-74357725-C-G. GRCh37 (hg19) VCF-style: chr17-72353864-C-G.
Identifiers: ClinVar variation 4084518 (VCV004084518.8).
Genomic context (GRCh38, chr17:74,357,725, plus strand): 5'-GGTGGCCAGTCTGTGCAGGGGGATGGCCTGGGTCAGCAGCACGGTCAGCTCCCCGCAGTA[C>G]AGGTACCTGCGGGAGAGACCGAGAGGTGGGGCGGGGTCAGGGCGGTACCCACCTCCCAGG-3'
Protein context (NP_001073935.1, residues 113-133): AAVFDKFIRY[Leu123=]YCGELTVLLT